The following is an entry in ClinVar:

ClinVar aggregate classification (germline): Likely benign (1 of 4 stars; one submission).

Allele frequency attached by ClinVar (database versions not stated): ESP Exome Variant Server 0.00008; 1000 Genomes Project 0.00020; ExAC 0.00020; gnomAD 0.00021; TOPMed 0.00023; gnomAD exomes 0.00030; 1000 Genomes Project 30x 0.00047.
gnomAD v4.1: 457 of 1,613,934 alleles (0.028%); highest among the groups gnomAD compares: Non-Finnish European, 0.035%; no homozygotes.

Submission:

CeGaT Center for Human Genetics Tuebingen
Classification: Likely benign. Last evaluated: 2023-10-01. Review status: criteria provided, single submitter. Criteria: CeGaT Center For Human Genetics Tuebingen Variant Classification Criteria Version 2. Collection method: clinical testing. Allele origin: germline. Affected: yes. Observed: 1 variant allele.
Comment: CLTCL1: BP4, BP7

NM_007098.4(CLTCL1):c.1617C>T (p.Asp539=)

Gene: CLTCL1 (clathrin heavy chain like 1; minus strand). Cytogenetic location: 22q11.21.
Variant type: single nucleotide variant.
Coding change: c.1617C>T on transcript NM_007098.4 (MANE Select); coding-DNA position 1617, C replaced by T.
Protein change: p.Asp539=; no amino-acid change (aspartic acid 539 retained).
Molecular consequence: synonymous variant.
Genome position (GRCh38, 1-based): chr22:19,232,503, G>A on the plus strand (C>T on the coding strand, the complement: CLTCL1 is on the minus strand). VCF-style: chr22-19232503-G-A. GRCh37 (hg19) VCF-style: chr22-19220026-G-A.
Other names: c.1617C>T, p.Asp539= (NM_001835.4).
Identifiers: ClinVar variation 2652861 (VCV002652861.24), dbSNP rs370790971, ClinGen allele CA10098620.